The following is an entry in ClinVar:

NM_006231.4(POLE):c.3275+5G>A

Gene: POLE (DNA polymerase epsilon, catalytic subunit; minus strand). Cytogenetic location: 12q24.33.
Variant type: single nucleotide variant.
Coding change: c.3275+5G>A on transcript NM_006231.4 (MANE Select); 5 bases into the intron after coding-DNA position 3275, G replaced by A.
Molecular consequence: intron variant.
Genome position (GRCh38, 1-based): chr12:132,659,290, C>T on the plus strand (G>A on the coding strand, the complement: POLE is on the minus strand). VCF-style: chr12-132659290-C-T. GRCh37 (hg19) VCF-style: chr12-133235876-C-T.
Identifiers: ClinVar variation 823384 (VCV000823384.5), dbSNP rs1593772111, ClinGen allele CA915946835.

ClinVar aggregate classification (germline): Uncertain significance (1 of 4 stars; one submission).

Conditions:
Hereditary cancer-predisposing syndrome. Also called: Hereditary Cancer Syndrome; Tumor predisposition; Neoplastic Syndromes, Hereditary; Hereditary neoplastic syndrome. Identifiers: Orphanet 140162, MedGen C0027672, MeSH D009386, MONDO:0015356.

Submission:

Ambry Genetics
Classification: Uncertain significance for Hereditary cancer-predisposing syndrome. Last evaluated: 2026-01-15. Review status: criteria provided, single submitter. Criteria: Ambry Variant Classification Scheme 2023. Collection method: clinical testing. Allele origin: germline.
Comment: The c.3275+5G>A intronic variant results from a G to A substitution 5 nucleotides after coding exon 26 in the POLE gene. This nucleotide position is not well conserved in available vertebrate species. In silico splice site analysis predicts that this alteration will weaken the native splice donor site and will result in the creation or strengthening of a novel splice donor site. Based on the available evidence, the clinical significance of this variant remains unclear.